The following is an entry in ClinVar:

GRCh37/hg19 Xp22.33(chrX:2703823-3354304)x1

Genes: ARSD (arylsulfatase D; minus strand), ARSD-AS1 (ARSD antisense RNA 1; plus strand), ARSF (arylsulfatase F; plus strand), ARSH (arylsulfatase family member H; plus strand), ARSL (arylsulfatase L; minus strand) and 3 more. Cytogenetic location: Xp22.33.
Variant type: copy number loss.
Change: copy number 1 of chrX:2,703,823-3,354,304 (650.5 kb, GRCh37 coordinates, 1-based), cytogenetic band Xp22.33.
Identifiers: ClinVar variation 1807716 (VCV001807716.1).

ClinVar aggregate classification (germline): Pathogenic (1 of 4 stars; one submission).

Submission:

Quest Diagnostics Nichols Institute San Juan Capistrano
Classification: Pathogenic. Last evaluated: 2021-07-25. Review status: criteria provided, single submitter. Criteria: ACMG/ClinGen CNV Guidelines, 2019. Collection method: clinical testing. Allele origin: unknown.
Comment: The copy number loss of Xp22.33 involves multiple protein coding genes including ARSE (OMIM 300180), GYG2 (OMIM 300198) and ARSF (OMIM 300003). It is expected to cause phenotypic and/or developmental abnormalities. Haploinsufficiency of ARSE, via partial/full gene deletions or loss-of-function variants, is associated with X-linked chondrodysplasia punctata (OMIM 302950). Some affected individuals may have respiratory compromise, cervical spine stenosis, hearing loss, and intellectual disabilities. Affected carrier females have not been described. Moreover, two heterozygous nonsense variants of GYG2 were reported in individuals with autism (Lim et al., Neuron. 2013 Jan 23;77(2):235-42. PMID: 23352160; Iossifov et al., Nature. 2014 Nov 13;515(7526):216-21. PMID: 25363768). A single heterozygous nonsense variant of ARSF was also reported in an individual with autism (Lim et al., Neuron. 2013 Jan 23;77(2):235-42. PMID: 23352160). In addition, larger deletions of this locus including ARSE and other gene content were reported in individuals with hondrodysplasia punctata with/without intellectual disability (Willemsen et al., Eur J Med Genet. 2012 Nov;55(11):586-98. PMID: 22796527; Horikoshi et al., J Obstet Gynaecol Res. 2010 Jun;36(3):671-5. PMID: 20598055).